The following is an entry in ClinVar:

ClinVar aggregate classification (germline): Uncertain significance. Review status: criteria provided, multiple submitters, no conflicts (2 of 4 stars). 3 submissions from 3 submitters: Uncertain significance (3). Last evaluated 2022-03-04.

Conditions:
Hereditary cancer-predisposing syndrome. Also called: Tumor predisposition; Hereditary Cancer Syndrome; Hereditary neoplastic syndrome; Neoplastic Syndromes, Hereditary. Identifiers: Orphanet 140162, MedGen C0027672, MeSH D009386, MONDO:0015356.
Familial adenomatous polyposis 2. Also called: COLORECTAL ADENOMATOUS POLYPOSIS, AUTOSOMAL RECESSIVE; MUTYH Polyposis; MUTYH-associated polyposis; MUTYH-related attenuated familial adenomatous polyposis; Adenomas, multiple colorectal; ADENOMAS, MULTIPLE COLORECTAL, AUTOSOMAL RECESSIVE. Identifiers: Orphanet 220460, Orphanet 247798, MedGen C3272841, MONDO:0012041, OMIM 608456.

Submissions (3):

Ambry Genetics
Classification: Uncertain significance for Hereditary cancer-predisposing syndrome. Last evaluated: 2022-03-04. Review status: criteria provided, single submitter. Criteria: Ambry Variant Classification Scheme 2023. Collection method: clinical testing. Allele origin: germline.
Comment: The c.1556_1604del49 variant, located in coding exon 16 of the MUTYH gene, results from a deletion of 49 nucleotides at nucleotide positions 1556 to 1604, causing a translational frameshift with a predicted alternate stop codon (p.R519Lfs*36). This alteration occurs at the 3' terminus of theMUTYH gene, is not expected to trigger nonsense-mediated mRNAdecay and results in the elongation of the protein by 4 amino acids. This frameshift impacts the last 31amino acids of the native protein. The exact functional effect of the altered amino acids is unknown. Since supporting evidence is limited at this time, the clinical significance of this alteration remains unclear.

Labcorp Genetics (formerly Invitae), Labcorp
Classification: Uncertain significance for Familial adenomatous polyposis 2. Last evaluated: 2017-07-17. Review status: criteria provided, single submitter. Criteria: Invitae Variant Classification Sherloc (09022015). Collection method: clinical testing. Allele origin: germline.
Comment: This variant is not present in population databases (ExAC no frequency). This sequence change results in a premature translational stop signal in the MUTYH gene (p.Arg519Leufs*36). While this is not anticipated to result in nonsense mediated decay, it is expected to disrupt the last 31 amino acids of the MUTYH protein. This variant has not been reported in the literature in individuals with MUTYH-related disease. ClinVar contains an entry for this variant (Variation ID: 420317). In summary, the available evidence is currently insufficient to determine the role of this variant in disease. Therefore, it has been classified as a Variant of Uncertain Significance.

GeneDx
Classification: Uncertain significance. Last evaluated: 2015-12-28. Review status: criteria provided, single submitter. Criteria: GeneDx Variant Classification (06012015). Collection method: clinical testing. Allele origin: germline. Affected: yes.
Comment: This deletion of 49 nucleotides in MUTYH is denoted c.1556_1604del49 at the cDNA level and p.Arg519LeufsX36 (R519LfsX36) at the protein level. The surrounding sequence is AGTC[del49]TCAC. The deletion causes a frameshift, which changes an Arginine to a Leucine at codon 519, and creates a premature stop codon at position 36 of the new reading frame. As this deletion is in the last exon of the gene, nonsense mediated decay is not expected to occur. This variant has not, to our knowledge, been reported in the literature. Based on currently available information, it is unclear whether this deletion is a pathogenic variant or a benign variant. We consider it to be a variant of uncertain significance.

NM_001048174.2(MUTYH):c.1472_1520del (p.Arg491fs)

Gene: MUTYH (mutY DNA glycosylase; minus strand). Cytogenetic location: 1p34.1.
Variant type: Deletion.
Coding change: c.1472_1520del on transcript NM_001048174.2 (MANE Select); coding-DNA positions 1472 to 1520, 49 bases deleted.
Protein change: p.Arg491fs; shifts the reading frame from arginine 491.
Molecular consequence: frameshift variant. On other transcripts: non-coding transcript variant (2).
Genome position (GRCh38, 1-based): chr1:45,329,352-45,329,400, 49 bases deleted; deleting any 49 consecutive bases within chr1:45,329,352-45,329,403 gives the same sequence; the c. name uses the placement nearest the transcript's 3' end. GRCh37 (hg19): chr1:45,795,027-45,795,075.
Other names: c.1556_1604del49 (NM_001128425.1); c.1472_1520del, p.Arg491fs (NM_001048171.2, NM_001048173.2, NM_001293195.2); c.1475_1523del, p.Arg492fs (NM_001048172.2); c.1556_1604del, p.Arg519fs (NM_001128425.2); c.1517_1565del, p.Arg506fs (NM_001293190.2); c.1505_1553del, p.Arg502fs (NM_001293191.2); c.1196_1244del, p.Arg399fs (NM_001293192.2, NM_001293196.2); c.1127_1175del, p.Arg376fs (NM_001350650.2, NM_001350651.2); and 2 more; short protein forms R491fs, R492fs, R502fs, R376fs, R506fs, R519fs, R399fs, R516fs.
Identifiers: ClinVar variation 420317 (VCV000420317.10), dbSNP rs1064794411, ClinGen allele CA16617149.